The following is an entry in ClinVar:

NM_000548.5(TSC2):c.1840-3C>T

Gene: TSC2 (TSC complex subunit 2; plus strand). Cytogenetic location: 16p13.3.
Variant type: single nucleotide variant.
Coding change: c.1840-3C>T on transcript NM_000548.5 (MANE Select); 3 bases into the intron before coding-DNA position 1840, C replaced by T.
Molecular consequence: intron variant.
Genome position (GRCh38, 1-based): chr16:2,071,507, C>T. VCF-style: chr16-2071507-C-T. GRCh37 (hg19) VCF-style: chr16-2121508-C-T.
Other names: c.1840-3C>T (NM_001114382.3, NM_021055.3, NM_001370405.1 and 3 more transcripts); c.1729-3C>T (NM_001318827.2); c.1240-3C>T (NM_001318831.2); c.1693-3C>T (NM_001318829.2); c.1873-3C>T (NM_001318832.2).
Identifiers: ClinVar variation 406109 (VCV000406109.12), dbSNP rs397515154, ClinGen allele CA16614719.

ClinVar aggregate classification (germline): Conflicting classifications of pathogenicity. Review status: criteria provided, conflicting classifications (1 of 4 stars). 2 submissions from 2 submitters: Uncertain significance (1); Likely benign (1). Last evaluated 2023-08-17.

Conditions:
Hereditary cancer-predisposing syndrome. Also called: Tumor predisposition; Neoplastic Syndromes, Hereditary; Hereditary Cancer Syndrome; Hereditary neoplastic syndrome. Identifiers: Orphanet 140162, MedGen C0027672, MeSH D009386, MONDO:0015356.
Tuberous sclerosis 2 (TSC2). Identifiers: Orphanet 805, MedGen C1860707, MONDO:0013199, OMIM 613254.

gnomAD v4.1: 1 of 1,613,624 alleles (0.000062%); highest among the groups gnomAD compares: Non-Finnish European, 0.000085%; no homozygotes.

Submissions (2):

Labcorp Genetics (formerly Invitae), Labcorp
Classification: Likely benign for Tuberous sclerosis 2. Last evaluated: 2023-08-17. Review status: criteria provided, single submitter. Criteria: Invitae Variant Classification Sherloc (09022015). Collection method: clinical testing. Allele origin: germline.

Ambry Genetics
Classification: Uncertain significance for Hereditary cancer-predisposing syndrome. Last evaluated: 2023-04-17. Review status: criteria provided, single submitter. Criteria: Ambry Variant Classification Scheme 2023. Collection method: clinical testing. Allele origin: germline.
Comment: The c.1840-3C>T intronic variant results from a C to T substitution 3 nucleotides upstream from coding exon 17 in the TSC2 gene. This nucleotide position is well conserved in available vertebrate species. In silico splice site analysis predicts that this alteration will not have any significant effect on splicing; however direct evidence is insufficient at this time (Ambry internal data). Since supporting evidence is limited at this time, the clinical significance of this alteration remains unclear.